The following is an entry in ClinVar:

NM_020297.4(ABCC9):c.1892G>A (p.Cys631Tyr)

Gene: ABCC9 (ATP binding cassette subfamily C member 9; minus strand). Cytogenetic location: 12p12.1.
Variant type: single nucleotide variant.
Coding change: c.1892G>A on transcript NM_020297.4 (MANE Select); coding-DNA position 1892, G replaced by A.
Protein change: p.Cys631Tyr; replaces cysteine 631 with tyrosine.
Molecular consequence: missense variant.
Genome position (GRCh38, 1-based): chr12:21,887,845, C>T on the plus strand (G>A on the coding strand, the complement: ABCC9 is on the minus strand). VCF-style: chr12-21887845-C-T. GRCh37 (hg19) VCF-style: chr12-22040779-C-T.
Other names: c.1892G>A, p.Cys631Tyr (NM_001377273.1, NM_005691.4); c.1028G>A, p.Cys343Tyr (NM_001377274.1); short protein forms C631Y, C343Y.
Identifiers: ClinVar variation 1944358 (VCV001944358.5), dbSNP rs2137691020, ClinGen allele CA384135795.
Genomic context (GRCh38, chr12:21,887,845, plus strand): 5'-TCCTCTATTCACAACTTCCAAAACAAAAATAAAGCACTTACAACTCCAGTGTGCTTCTTA[C>T]AGGACTCAAAAGGAAGCGAACTTTCACCAGTTCGCCAACTGTCGTCACCAATCTCATCAC-3'
Protein context (NP_064693.2, residues 621-641): TGESSLPFES[Cys631Tyr]KKHTGVQPKT

ClinVar aggregate classification (germline): Uncertain significance (1 of 4 stars; one submission).

Conditions:
Dilated cardiomyopathy 1O (CMD1O). Also called: CARDIOMYOPATHY, DILATED, WITH VENTRICULAR TACHYCARDIA. Identifiers: Orphanet 154, MedGen C1837839, MONDO:0012062, OMIM 608569.

Allele frequency attached by ClinVar (database versions not stated): gnomAD exomes below 0.00001.
gnomAD v4.1: 2 of 1,612,742 alleles (0.00012%); highest among the groups gnomAD compares: Non-Finnish European, 0.00017%; no homozygotes.

Submission:

Labcorp Genetics (formerly Invitae), Labcorp
Classification: Uncertain significance for Dilated cardiomyopathy 1O. Last evaluated: 2022-06-28. Review status: criteria provided, single submitter. Criteria: Invitae Variant Classification Sherloc (09022015). Collection method: clinical testing. Allele origin: germline.
Comment: This sequence change replaces cysteine, which is neutral and slightly polar, with tyrosine, which is neutral and polar, at codon 631 of the ABCC9 protein (p.Cys631Tyr). In summary, the available evidence is currently insufficient to determine the role of this variant in disease. Therefore, it has been classified as a Variant of Uncertain Significance. Algorithms developed to predict the effect of missense changes on protein structure and function (SIFT, PolyPhen-2, Align-GVGD) all suggest that this variant is likely to be tolerated. This variant has not been reported in the literature in individuals affected with ABCC9-related conditions. This variant is not present in population databases (gnomAD no frequency).